The following is an entry in ClinVar:

NM_002941.4(ROBO1):c.3821T>C (p.Met1274Thr)

Gene: ROBO1 (roundabout guidance receptor 1; minus strand). Cytogenetic location: 3p12.3.
Variant type: single nucleotide variant.
Coding change: c.3821T>C on transcript NM_002941.4 (MANE Select); coding-DNA position 3821, T replaced by C.
Protein change: p.Met1274Thr; replaces methionine 1274 with threonine.
Molecular consequence: missense variant.
Genome position (GRCh38, 1-based): chr3:78,627,375, A>G on the plus strand (T>C on the coding strand, the complement: ROBO1 is on the minus strand). VCF-style: chr3-78627375-A-G. GRCh37 (hg19) VCF-style: chr3-78676525-A-G.
Other names: c.3686T>C, p.Met1229Thr (NM_001145844.1, NM_133631.4); c.3521T>C, p.Met1174Thr (NM_001145845.2); short protein forms M1174T, M1229T, M1274T.
Identifiers: ClinVar variation 3003131 (VCV003003131.3), dbSNP rs747553382, ClinGen allele CA2498270.

ClinVar aggregate classification (germline): Uncertain significance (1 of 4 stars; one submission).

Allele frequency attached by ClinVar (database versions not stated): gnomAD exomes below 0.00001; ExAC 0.00001; TOPMed 0.00006; gnomAD 0.00007.

Submission:

Labcorp Genetics (formerly Invitae), Labcorp
Classification: Uncertain significance. Last evaluated: 2023-08-31. Review status: criteria provided, single submitter. Criteria: Invitae Variant Classification Sherloc (09022015). Collection method: clinical testing. Allele origin: germline.
Comment: Advanced modeling of protein sequence and biophysical properties (such as structural, functional, and spatial information, amino acid conservation, physicochemical variation, residue mobility, and thermodynamic stability) performed at Invitae indicates that this missense variant is not expected to disrupt ROBO1 protein function. This variant has not been reported in the literature in individuals affected with ROBO1-related conditions. This variant is present in population databases (rs747553382, gnomAD 0.03%). This sequence change replaces methionine, which is neutral and non-polar, with threonine, which is neutral and polar, at codon 1274 of the ROBO1 protein (p.Met1274Thr). In summary, the available evidence is currently insufficient to determine the role of this variant in disease. Therefore, it has been classified as a Variant of Uncertain Significance.